The following is an entry in ClinVar:

NM_001080397.3(SLC45A1):c.720C>T (p.Leu240=)

Gene: SLC45A1 (solute carrier family 45 member 1; plus strand). Cytogenetic location: 1p36.23.
Variant type: single nucleotide variant.
Coding change: c.720C>T on transcript NM_001080397.3 (MANE Select); coding-DNA position 720, C replaced by T.
Protein change: p.Leu240=; no amino-acid change (leucine 240 retained).
Molecular consequence: synonymous variant.
Genome position (GRCh38, 1-based): chr1:8,330,213, C>T. VCF-style: chr1-8330213-C-T. GRCh37 (hg19) VCF-style: chr1-8390273-C-T.
Other names: c.720C>T, p.Leu240= (NM_001379614.1); c.627C>T, p.Leu209= (NM_001379615.1, NM_001379616.1); c.114C>T, p.Leu38= (NM_001379617.1, NM_001379618.1).
Identifiers: ClinVar variation 3905386 (VCV003905386.10).
Genomic context (GRCh38, chr1:8,330,213, plus strand): 5'-GCGTTTGGGGCTTCTCCTCCCGCAGAAGGGAACTCAAACCCTGTCTCTTTCCCCAGGTCT[C>T]GGAGGAGGCTTTGGATACGTGGTCGGCGGAATCCACTGGGATAAAACGGGCTTCGGGAGG-3'
Protein context (NP_001073866.3, residues 230-250): GLNIHALLAG[Leu240=]GGGFGYVVGG

ClinVar aggregate classification (germline): Likely benign (1 of 4 stars; one submission).

gnomAD v4.1: 56 of 1,612,946 alleles (0.0035%); highest among the groups gnomAD compares: East Asian, 0.08%; no homozygotes.

Submission:

CeGaT Center for Human Genetics Tuebingen
Classification: Likely benign. Last evaluated: 2025-06-01. Review status: criteria provided, single submitter. Criteria: CeGaT Center For Human Genetics Tuebingen Variant Classification Criteria Version 2. Collection method: clinical testing. Allele origin: germline. Affected: yes. Observed: 1 variant allele.
Comment: SLC45A1: BP4, BP7